The following is an entry in ClinVar:

ClinVar aggregate classification (germline): Uncertain significance (1 of 4 stars; one submission).

Conditions:
Immunodeficiency 14 (IMD14A). Also called: IMMUNODEFICIENCY 14A WITH LYMPHOPROLIFERATION, AUTOSOMAL DOMINANT; ACTIVATED PI3K-DELTA SYNDROME 1; Activated PI3K Delta Syndrome Type 1 (APDS1); p110-DELTA-ACTIVATING MUTATION CAUSING SENESCENT T CELLS, LYMPHADENOPATHY, AND IMMUNODEFICIENCY. Identifiers: Orphanet 397596, Orphanet 693661, MedGen C5907821, MONDO:0014222, OMIM 615513.

Submission:

Labcorp Genetics (formerly Invitae), Labcorp
Classification: Uncertain significance for Activated PI3K-delta syndrome. Last evaluated: 2023-12-07. Review status: criteria provided, single submitter. Criteria: Invitae Variant Classification Sherloc (09022015). Collection method: clinical testing. Allele origin: unknown.
Comment: A copy number gain of the genomic region encompassing the full coding sequence of the PIK3CD gene has been identified. The boundaries of this event are unknown as they extend beyond the assayed region for this gene and therefore may encompass additional genes. As the precise location of this event is unknown, it may be in tandem or it may be located elsewhere in the genome. This variant has not been reported in the literature in individuals affected with PIK3CD-related conditions. In summary, the available evidence is currently insufficient to determine the role of this variant in disease. Therefore, it has been classified as a Variant of Uncertain Significance.

NC_000001.10:g.(?_9770514)_(9787104_?)dup

Gene: PIK3CD (phosphatidylinositol-4,5-bisphosphate 3-kinase catalytic subunit delta; plus strand). Cytogenetic location: 1p36.22.
Variant type: Duplication.
Identifiers: ClinVar variation 3247822 (VCV003247822.1).